The following is an entry in ClinVar:

NM_020547.3(AMHR2):c.846T>G (p.His282Gln)

Gene: AMHR2 (anti-Mullerian hormone receptor type 2; plus strand). Cytogenetic location: 12q13.13.
Variant type: single nucleotide variant.
Coding change: c.846T>G on transcript NM_020547.3 (MANE Select); coding-DNA position 846, T replaced by G.
Protein change: p.His282Gln; replaces histidine 282 with glutamine.
Molecular consequence: missense variant.
Genome position (GRCh38, 1-based): chr12:53,425,913, T>G. VCF-style: chr12-53425913-T-G. GRCh37 (hg19) VCF-style: chr12-53819697-T-G.
Other names: c.846T>G, p.His282Gln (NM_001164690.2, NM_001164691.2); short protein forms H282Q.
Identifiers: ClinVar variation 3338945 (VCV003338945.1).
Genomic context (GRCh38, chr12:53,425,913, plus strand): 5'-TGCCAGCCGGGGGGGTCCTGGCCGCCTGCTCTCTGGGCCCCTGCTGGTACTGGAACTGCA[T>G]CCCAAGGTGAGCACCAAGGAGTGTATATGTGTGTGTGTGTGCCTGTGTGTATGTATAGAG-3'
Protein context (NP_065434.1, residues 272-292): LSGPLLVLEL[His282Gln]PKGSLCHYLT

ClinVar aggregate classification (germline): Uncertain significance (1 of 4 stars; one submission).

gnomAD v4.1: 63 of 1,613,728 alleles (0.0039%); highest among the groups gnomAD compares: Non-Finnish European, 0.0051%; no homozygotes.

Submission:

Women's Health and Genetics/Laboratory Corporation of America, LabCorp
Classification: Uncertain significance. Last evaluated: 2024-07-11. Review status: criteria provided, single submitter. Criteria: LabCorp Variant Classification Summary - May 2015. Collection method: clinical testing. Allele origin: germline.
Comment: Variant summary: AMHR2 c.846T>G (p.His282Gln) results in a non-conservative amino acid change located in the Protein kinase domain (IPR000719) of the encoded protein sequence. Three of five in-silico tools predict a damaging effect of the variant on protein function. The variant allele was found at a frequency of 7.6e-05 in 250040 control chromosomes. This frequency is not significantly higher than estimated for a pathogenic variant in AMHR2 causing Persistent Mullerian duct syndrome, allowing no conclusion about variant significance. c.846T>G has been reported in the literature in at-least one individual affected with Persistent Mullerian duct syndrome (example: Imbeaud_1996). These data do not allow any conclusion about variant significance. To our knowledge, no experimental evidence demonstrating an impact on protein function has been reported. The following publication has been ascertained in the context of this evaluation (PMID: 8872466). No submitters have cited clinical-significance assessments for this variant to ClinVar. Based on the evidence outlined above, the variant was classified as uncertain significance.

Literature cited by the submitters: PubMed 8872466.